The following is an entry in ClinVar:

NM_014967.5(FAN1):c.780T>G (p.Asn260Lys)

Gene: FAN1 (FANCD2 and FANCI associated nuclease 1; plus strand). Cytogenetic location: 15q13.3.
Variant type: single nucleotide variant.
Coding change: c.780T>G on transcript NM_014967.5 (MANE Select); coding-DNA position 780, T replaced by G.
Protein change: p.Asn260Lys; replaces asparagine 260 with lysine.
Molecular consequence: missense variant.
Genome position (GRCh38, 1-based): chr15:30,905,443, T>G. VCF-style: chr15-30905443-T-G. GRCh37 (hg19) VCF-style: chr15-31197646-T-G.
Other names: c.780T>G, p.Asn260Lys (NM_001146094.2, NM_001146095.1, NM_001146096.2); short protein forms N260K.
Identifiers: ClinVar variation 1937760 (VCV001937760.5), dbSNP rs899678412, ClinGen allele CA267512726.

ClinVar aggregate classification (germline): Uncertain significance (1 of 4 stars; one submission).

Allele frequency attached by ClinVar (database versions not stated): gnomAD exomes below 0.00001; TOPMed below 0.00001.
gnomAD v4.1: 2 of 1,614,116 alleles (0.00012%); highest among the groups gnomAD compares: Middle Eastern, 0.017%; no homozygotes.

Submission:

Labcorp Genetics (formerly Invitae), Labcorp
Classification: Uncertain significance. Last evaluated: 2022-11-15. Review status: criteria provided, single submitter. Criteria: Invitae Variant Classification Sherloc (09022015). Collection method: clinical testing. Allele origin: germline.
Comment: In summary, the available evidence is currently insufficient to determine the role of this variant in disease. Therefore, it has been classified as a Variant of Uncertain Significance. Algorithms developed to predict the effect of missense changes on protein structure and function output the following: SIFT: "Tolerated"; PolyPhen-2: "Benign"; Align-GVGD: "Class C0". The lysine amino acid residue is found in multiple mammalian species, which suggests that this missense change does not adversely affect protein function. This variant has not been reported in the literature in individuals affected with FAN1-related conditions. This variant is present in population databases (no rsID available, gnomAD 0.003%). This sequence change replaces asparagine, which is neutral and polar, with lysine, which is basic and polar, at codon 260 of the FAN1 protein (p.Asn260Lys).